The following is an entry in ClinVar:

NM_004531.5(MOCS2):c.160C>G (p.Leu54Val)

Gene: MOCS2 (molybdenum cofactor synthesis 2; minus strand). Cytogenetic location: 5q11.2.
Variant type: single nucleotide variant.
Coding change: c.160C>G on transcript NM_004531.5 (MANE Select); coding-DNA position 160, C replaced by G.
Protein change: p.Leu54Val; replaces leucine 54 with valine.
Molecular consequence: missense variant. On other transcripts: 3 prime UTR variant (1).
Genome position (GRCh38, 1-based): chr5:53,102,163, G>C on the plus strand (C>G on the coding strand, the complement: MOCS2 is on the minus strand). VCF-style: chr5-53102163-G-C. GRCh37 (hg19) VCF-style: chr5-52397993-G-C.
Other names: c.*80C>G (NM_176806.4); c.160C>G, p.Leu54Val (NM_183418.1); short protein forms L54V.
Identifiers: ClinVar variation 2016494 (VCV002016494.1), dbSNP rs1740929042, ClinGen allele CA359693462.

ClinVar aggregate classification (germline): Uncertain significance (1 of 4 stars; one submission).

Allele frequency attached by ClinVar (database versions not stated): gnomAD 0.00001; TOPMed 0.00001.

Submission:

Labcorp Genetics (formerly Invitae), Labcorp
Classification: Uncertain significance. Last evaluated: 2022-07-13. Review status: criteria provided, single submitter. Criteria: Invitae Variant Classification Sherloc (09022015). Collection method: clinical testing. Allele origin: germline.
Comment: This sequence change replaces leucine, which is neutral and non-polar, with valine, which is neutral and non-polar, at codon 54 of the MOCS2B protein (p.Leu54Val). This variant is not present in population databases (gnomAD no frequency). This variant has not been reported in the literature in individuals affected with MOCS2B-related conditions. Algorithms developed to predict the effect of missense changes on protein structure and function are either unavailable or do not agree on the potential impact of this missense change (SIFT: "Tolerated"; PolyPhen-2: "Probably Damaging"; Align-GVGD: "Class C15"). In summary, the available evidence is currently insufficient to determine the role of this variant in disease. Therefore, it has been classified as a Variant of Uncertain Significance.